The following is an entry in ClinVar:

NM_130837.3(OPA1):c.1681+1G>T

Gene: OPA1 (OPA1 mitochondrial dynamin like GTPase; plus strand). Cytogenetic location: 3q29.
Variant type: single nucleotide variant.
Coding change: c.1681+1G>T on transcript NM_130837.3 (MANE Select); the canonical splice donor site of the intron after coding-DNA position 1681, G replaced by T.
Molecular consequence: splice donor variant.
Genome position (GRCh38, 1-based): chr3:193,645,626, G>T. VCF-style: chr3-193645626-G-T. GRCh37 (hg19) VCF-style: chr3-193363415-G-T.
Other names: c.1462+1G>T (NM_130832.3); c.1519+1G>T (NM_130833.3); c.1408+1G>T (NM_130831.3); c.1570+1G>T (NM_130834.3); c.1627+1G>T (NM_130836.3); c.1516+1G>T (NM_015560.3); c.1573+1G>T (NM_130835.3); c.1681+1G>T (NM_130837.2); and 2 more.
Identifiers: ClinVar variation 280006 (VCV000280006.44), dbSNP rs886041318, ClinGen allele CA10602877.

ClinVar aggregate classification (germline): Pathogenic. Review status: criteria provided, multiple submitters, no conflicts (2 of 4 stars). 5 submissions from 5 submitters: Pathogenic (4). 1 of the submissions does not count toward it. Last evaluated 2025-03-10.

Conditions:
OPA1-related disorder. Also called: OPA1-related disorders; OPA1-related condition.
Autosomal dominant optic atrophy classic form (OPA1). Also called: KJER-TYPE OPTIC ATROPHY; OPTIC ATROPHY, JUVENILE; Optic Atrophy Type 1. Identifiers: Orphanet 98673, MedGen C0338508, MONDO:0008134, OMIM 165500.

Submissions (5):

GeneDx
Classification: Pathogenic. Last evaluated: 2025-03-10. Review status: criteria provided, single submitter. Criteria: GeneDx Variant Classification Process June 2021. Collection method: clinical testing. Allele origin: germline. Affected: yes.
Comment: Identified in several individuals with optic atrophy, however detailed clinical and segregation information was not provided (PMID: 11440989, 20952381, 35273349); Canonical splice site variant predicted to result in a null allele in a gene for which loss of function is a known mechanism of disease; Not observed at significant frequency in large population cohorts (gnomAD); This variant is associated with the following publications: (PMID: 11440989, 38219857, 20952381, 35273349, 38278202)

Victorian Clinical Genetics Services, Murdoch Childrens Research Institute
Classification: Pathogenic for Autosomal dominant optic atrophy classic form. Last evaluated: 2024-09-21. Review status: criteria provided, single submitter. Criteria: ACMG Guidelines, 2015. Collection method: clinical testing. Allele origin: germline. Inheritance: Autosomal dominant inheritance. Affected: yes.
Comment: Based on the classification scheme VCGS_Germline_v1.3.4, this variant is classified as Pathogenic. Following criteria are met: 0102 - Loss of function is a known mechanism of disease in this gene and is associated with OPA1-related conditions (OMIM). (I) 0108 - This gene is associated with both recessive and dominant disease. Truncating variants and mutations in the C-terminal domain are associated with dominant optic atrophy. Individuals carrying missense variants are clustered within the GTPase domain, generally develop optic atrophy plus syndrome. Lastly, biallelic variants have been associated with early onset Behr syndrome (PMIDs: 31500643, 28494813, 25012220, 30165240). (I) 0112 - The condition associated with this gene has incomplete penetrance (PMID: 17306754). (I) 0211 - Canonical splice site variant without proven consequence on splicing (no functional evidence available). (SP) 0251 - This variant is heterozygous. (I) 0301 - Variant is absent from gnomAD (both v2 and v3). (SP) 0505 - Abnormal splicing is predicted by in silico tools and affected nucleotide is highly conserved. (SP) 0702 - Other splice variants comparable to the one identified in this case have strong previous evidence for pathogenicity. Splice site variants in the same position (c.1681+1G>A and c.1681+1G>C) have been reported in individuals with autosomal dominant optic atrophy (ClinVar, PMIDs: 34242285, 25564500, 17722006). Additionally, a non-canonical splice variant (c.1681+3A>G) has also been reported in an individual with autosomal dominant optic atrophy, and functional analysis shows exon skipping and reduced mRNA abundance (PMID: 34242285). (SP) 0801 - This variant has strong previous evidence of pathogenicity in unrelated individuals. This variant has been reported in at least five individuals with autosomal dominant optic atrophy (ClinVar, PMID: 11440989, 35273349, 20484224). (SP) 1208 - Inheritance information for this variant is not currently available in this individual. (I) Legend: (SP) - Supporting pathogenic, (I) - Information, (SB) - Supporting benign

Institute of Medical Genetics and Applied Genomics, University Hospital Tübingen
Classification: Pathogenic. Last evaluated: 2021-09-15. Review status: criteria provided, single submitter. Criteria: ACMG Guidelines, 2015. Collection method: clinical testing. Allele origin: germline. Inheritance: Autosomal dominant inheritance. Affected: yes.

CeGaT Center for Human Genetics Tuebingen
Classification: Pathogenic. Last evaluated: 2020-08-01. Review status: criteria provided, single submitter. Criteria: CeGaT Center For Human Genetics Tuebingen Variant Classification Criteria Version 2. Collection method: clinical testing. Allele origin: germline. Affected: yes. Observed: 1 variant allele.

PreventionGenetics, part of Exact Sciences
Classification: Pathogenic for OPA1-related condition. Last evaluated: 2024-01-24. Review status: no assertion criteria provided. Collection method: clinical testing. Allele origin: germline. Not counted in ClinVar's aggregate classification.
Comment: The OPA1 c.1681+1G>T variant is predicted to disrupt the GT donor site and interfere with normal splicing. This variant, also known as c.1516+1G>T in an alternate transcript (NM_015560), has been reported in a family with autosomal dominant optic atrophy and in additional unrelated individuals with autosomal dominant optic atrophy (Table 1, Toomes et al. 2001. PubMed ID: 11440989; Table 2, Yu-Wai-Man et al. 2011. PubMed ID: 20952381). This variant has not been reported in a large population database, indicating this variant is rare. Other variants affecting the same splice donor site, c.1681+1G>C and c.1681+1G>A, have been reported in individuals with autosomal dominant optic atrophy (reported as 1516+1G>C and 1516+1G>A, Table 1, Schimpf et al 2008. PubMed ID: 17722006; Table 2, Weisschuh N et al 2021. PubMed ID: 34242285). Taken together, we interpret this variant as pathogenic.

Literature cited by the submitters: PubMed 11440989 (cited by Victorian Clinical Genetics Services, Murdoch Childrens Research Institute); PubMed 17306754 (cited by Victorian Clinical Genetics Services, Murdoch Childrens Research Institute); PubMed 17722006 (cited by Victorian Clinical Genetics Services, Murdoch Childrens Research Institute); PubMed 20484224 (cited by Victorian Clinical Genetics Services, Murdoch Childrens Research Institute); PubMed 25012220 (cited by Victorian Clinical Genetics Services, Murdoch Childrens Research Institute); PubMed 25564500 (cited by Victorian Clinical Genetics Services, Murdoch Childrens Research Institute); PubMed 28494813 (cited by Victorian Clinical Genetics Services, Murdoch Childrens Research Institute); PubMed 30165240 (cited by Victorian Clinical Genetics Services, Murdoch Childrens Research Institute); PubMed 31500643 (cited by Victorian Clinical Genetics Services, Murdoch Childrens Research Institute); PubMed 34242285 (cited by Victorian Clinical Genetics Services, Murdoch Childrens Research Institute); PubMed 35273349 (cited by Victorian Clinical Genetics Services, Murdoch Childrens Research Institute).